The following is an entry in ClinVar:

ClinVar aggregate classification (germline): Pathogenic (1 of 4 stars; one submission).

Conditions:
Bethlem myopathy 1A. Also called: MYOPATHY, BENIGN CONGENITAL, WITH CONTRACTURES; Bethlem Muscular Dystrophy; Bethlem myopathy 1. Identifiers: Orphanet 610, MedGen CN029274, MONDO:0024530, OMIM 158810.

gnomAD v4.1: 5 of 1,613,072 alleles (0.00031%); highest among the groups gnomAD compares: Non-Finnish European, 0.00042%; no homozygotes.

Submission:

Labcorp Genetics (formerly Invitae), Labcorp
Classification: Pathogenic for Bethlem myopathy 1A. Last evaluated: 2021-09-20. Review status: criteria provided, single submitter. Criteria: Invitae Variant Classification Sherloc (09022015). Collection method: clinical testing. Allele origin: germline.
Comment: This sequence change creates a premature translational stop signal (p.Tyr96*) in the COL6A2 gene. It is expected to result in an absent or disrupted protein product. Loss-of-function variants in COL6A2 are known to be pathogenic (PMID: 19884007, 20976770). For these reasons, this variant has been classified as Pathogenic. This variant has not been reported in the literature in individuals affected with COL6A2-related conditions. This variant is not present in population databases (ExAC no frequency).

Literature cited by the submitters: PubMed 19884007; PubMed 20976770.

NM_001849.4(COL6A2):c.288C>A (p.Tyr96Ter)

Gene: COL6A2 (collagen type VI alpha 2 chain; plus strand). Cytogenetic location: 21q22.3.
Variant type: single nucleotide variant.
Coding change: c.288C>A on transcript NM_001849.4 (MANE Select); coding-DNA position 288, C replaced by A.
Protein change: p.Tyr96Ter; replaces tyrosine 96 with a stop codon.
Molecular consequence: nonsense.
Genome position (GRCh38, 1-based): chr21:46,112,151, C>A. VCF-style: chr21-46112151-C-A. GRCh37 (hg19) VCF-style: chr21-47532065-C-A.
Other names: c.288C>A, p.Tyr96Ter (NM_058174.3, NM_058175.3); short protein forms Y96*.
Identifiers: ClinVar variation 1452401 (VCV001452401.6), dbSNP rs61735833, ClinGen allele CA410520574.